The following is an entry in ClinVar:

ClinVar aggregate classification (germline): Benign/Likely benign. Review status: criteria provided, multiple submitters, no conflicts (2 of 4 stars). 4 submissions from 4 submitters: Benign (1); Likely benign (3). Last evaluated 2026-04-21.

Conditions:
Hereditary cancer-predisposing syndrome. Also called: Tumor predisposition; Hereditary Cancer Syndrome; Hereditary neoplastic syndrome; Neoplastic Syndromes, Hereditary. Identifiers: Orphanet 140162, MedGen C0027672, MeSH D009386, MONDO:0015356.
DICER1-related tumor predisposition. Also called: DICER1 syndrome; DICER1-related pleuropulmonary blastoma cancer predisposition syndrome. Identifiers: Orphanet 284343, MedGen C3839822, MONDO:0100216.

gnomAD v4.1: 1 of 1,614,006 alleles (0.000062%); no homozygotes.

Submissions (4):

Myriad Genetics, Inc.
Classification: Benign for DICER1-related tumor predisposition. Last evaluated: 2026-04-21. Review status: criteria provided, single submitter. Criteria: Myriad Autosomal Dominant, Autosomal Recessive and X-Linked Classification Criteria (2023). Collection method: clinical testing. Allele origin: unknown.
Comment: This variant is considered benign. This variant is a silent/synonymous amino acid change and it is not expected to impact splicing.

Labcorp Genetics (formerly Invitae), Labcorp
Classification: Likely benign for DICER1-related tumor predisposition. Last evaluated: 2024-05-15. Review status: criteria provided, single submitter. Criteria: Invitae Variant Classification Sherloc (09022015). Collection method: clinical testing. Allele origin: germline.

Sema4
Classification: Likely benign for Hereditary cancer-predisposing syndrome. Last evaluated: 2021-01-12. Review status: criteria provided, single submitter. Criteria: Sema4 Curation Guidelines. Collection method: curation. Allele origin: germline.

Ambry Genetics
Classification: Likely benign for Hereditary cancer-predisposing syndrome. Last evaluated: 2019-08-14. Review status: criteria provided, single submitter. Criteria: Ambry Variant Classification Scheme 2023. Collection method: clinical testing. Allele origin: germline.

NM_177438.3(DICER1):c.5550C>G (p.Pro1850=)

Gene: DICER1 (dicer 1, ribonuclease III; minus strand). Cytogenetic location: 14q32.13.
Variant type: single nucleotide variant.
Coding change: c.5550C>G on transcript NM_177438.3 (MANE Select); coding-DNA position 5550, C replaced by G.
Protein change: p.Pro1850=; no amino-acid change (proline 1850 retained).
Molecular consequence: synonymous variant. On other transcripts: missense variant (1).
Genome position (GRCh38, 1-based): chr14:95,091,087, G>C on the plus strand (C>G on the coding strand, the complement: DICER1 is on the minus strand). VCF-style: chr14-95091087-G-C. GRCh37 (hg19) VCF-style: chr14-95557424-G-C.
Other names: c.5387C>G, p.Pro1796Arg (NM_001195573.1); c.5550C>G, p.Pro1850= (NM_001271282.3, NM_001291628.2, NM_030621.4); short protein forms P1796R.
Identifiers: ClinVar variation 763191 (VCV000763191.17), dbSNP rs377325189, ClinGen allele CA390864324.